The following is an entry in ClinVar:

NM_003285.3(TNR):c.496A>G (p.Thr166Ala)

Gene: TNR (tenascin R; minus strand). Cytogenetic location: 1q25.1.
Variant type: single nucleotide variant.
Coding change: c.496A>G on transcript NM_003285.3 (MANE Select); coding-DNA position 496, A replaced by G.
Protein change: p.Thr166Ala; replaces threonine 166 with alanine.
Molecular consequence: missense variant. On other transcripts: 5 prime UTR variant (1).
Genome position (GRCh38, 1-based): chr1:175,406,219, T>C on the plus strand (A>G on the coding strand, the complement: TNR is on the minus strand). VCF-style: chr1-175406219-T-C. GRCh37 (hg19) VCF-style: chr1-175375355-T-C.
Other names: c.-400A>G (NM_001328635.2); short protein forms T166A.
Identifiers: ClinVar variation 224864 (VCV000224864.37), dbSNP rs147204644, ClinGen allele CA357969.
Genomic context (GRCh38, chr1:175,406,219, plus strand): 5'-TCTGCTCAGCCCTCTCCTTCCCCTCCTGAGACCACGCTGCGAGCTCCCGGACTCTACCTG[T>C]GGCAGCACTTTCTTGGCAGCAGTTGGCGTTGCACTGGTCTCGCAGCACCGACACCTCCCT-3'
Protein context (NP_003276.3, residues 156-176): NANCCQESAA[Thr166Ala]GQLDYIPHCS

ClinVar aggregate classification (germline): Conflicting classifications of pathogenicity. Review status: criteria provided, conflicting classifications (1 of 4 stars). 4 submissions from 4 submitters: Uncertain significance (1); Benign (1); Likely benign (2). Last evaluated 2026-06-01.

Conditions:
Inborn genetic diseases. Identifiers: MedGen C0950123, MeSH D030342.
Parkinson disease (PD). Identifiers: MedGen C0030567, MeSH D010300, MONDO:0005180.

Allele frequency attached by ClinVar (database versions not stated): 1000 Genomes Project 30x 0.00031; 1000 Genomes Project 0.00040; ESP Exome Variant Server 0.00392; gnomAD 0.00397 and 0.00407; gnomAD exomes 0.00428 and 0.00472; ExAC 0.00440; TOPMed 0.00453.
gnomAD v4.1: 7,553 of 1,613,638 alleles (0.47%); highest among the groups gnomAD compares: Middle Eastern, 1.1%; 24 homozygotes.

Submissions (4):

CeGaT Center for Human Genetics Tuebingen
Classification: Likely benign. Last evaluated: 2026-06-01. Review status: criteria provided, single submitter. Criteria: CeGaT Center For Human Genetics Tuebingen Variant Classification Criteria Version 2. Collection method: clinical testing. Allele origin: germline. Affected: yes. Observed: 16 variant alleles.
Comment: TNR: BP4, BS2

Ambry Genetics
Classification: Likely benign for Inborn genetic diseases. Last evaluated: 2021-12-28. Review status: criteria provided, single submitter. Criteria: Ambry Variant Classification Scheme 2023. Collection method: clinical testing. Allele origin: germline.

Labcorp Genetics (formerly Invitae), Labcorp
Classification: Benign. Last evaluated: 2019-12-31. Review status: criteria provided, single submitter. Criteria: Invitae Variant Classification Sherloc (09022015). Collection method: clinical testing. Allele origin: germline.

Lupski Lab, Baylor-Hopkins CMG, Baylor College of Medicine
Classification: Uncertain significance for Parkinson disease. Last evaluated: 2016-01-01. Review status: criteria provided, single submitter. Criteria: Farlow et al. (JAMA Neurol 2016). Collection method: research. Allele origin: germline. Inheritance: Autosomal dominant inheritance. Affected: yes. Observed: 3 variant alleles, 3 heterozygotes.